The following is an entry in ClinVar:

NM_145038.5(DRC1):c.1631A>G (p.Tyr544Cys)

Gene: DRC1 (dynein regulatory complex subunit 1; plus strand). Cytogenetic location: 2p23.3.
Variant type: single nucleotide variant.
Coding change: c.1631A>G on transcript NM_145038.5 (MANE Select); coding-DNA position 1631, A replaced by G.
Protein change: p.Tyr544Cys; replaces tyrosine 544 with cysteine.
Molecular consequence: missense variant.
Genome position (GRCh38, 1-based): chr2:26,450,623, A>G. VCF-style: chr2-26450623-A-G. GRCh37 (hg19) VCF-style: chr2-26673491-A-G.
Other names: short protein forms Y544C.
Identifiers: ClinVar variation 407103 (VCV000407103.1), dbSNP rs775900881, ClinGen allele CA1562348.

ClinVar aggregate classification (germline): Uncertain significance (1 of 4 stars; one submission).

Conditions:
Primary ciliary dyskinesia. Also called: Ciliary dyskinesia. Identifiers: Orphanet 244, MedGen C0008780, MONDO:0016575, HP:0012265.

Allele frequency attached by ClinVar (database versions not stated): gnomAD exomes below 0.00001; ExAC 0.00001.
gnomAD v4.1: 1 of 1,612,110 alleles (0.000062%); highest among the groups gnomAD compares: Non-Finnish European, 0.000085%; no homozygotes.

Submission:

Labcorp Genetics (formerly Invitae), Labcorp
Classification: Uncertain significance for Primary ciliary dyskinesia. Last evaluated: 2016-10-24. Review status: criteria provided, single submitter. Criteria: Invitae Variant Classification Sherloc (09022015). Collection method: clinical testing. Allele origin: germline.
Comment: This sequence change replaces tyrosine with cysteine at codon 544 of the DRC1 protein (p.Tyr544Cys). The tyrosine residue is moderately conserved and there is a large physicochemical difference between tyrosine and cysteine. This variant is present in population databases (rs775900881, ExAC 0.001%) but has not been reported in the literature in individuals with a DRC1-related disease. Algorithms developed to predict the effect of missense changes on protein structure and function (SIFT, PolyPhen-2, Align-GVGD) all suggest that this variant is likely to be tolerated, but these predictions have not been confirmed by published functional studies. In summary, this variant is a rare missense change that is not predicted to affect protein function. There is no indication that it causes disease, but the available evidence is currently insufficient to prove that conclusively. Therefore, it has been classified as a Variant of Uncertain Significance.